The following is an entry in ClinVar:

ClinVar aggregate classification (germline): Uncertain significance. Review status: criteria provided, single submitter (1 of 4 stars). 4 submissions from 4 submitters: Uncertain significance (1). 3 of the submissions do not count toward it. Last evaluated 2023-10-06.

Conditions:
46,XY sex reversal 11. Also called: Vanishing testis; ANORCHIA, FAMILIAL; TESTICULAR REGRESSION, EMBRYONIC; Testicular regression syndrome. Identifiers: Orphanet 983, MedGen C0266427, MONDO:8000015, OMIM 273250, HP:0012870.
Neurodevelopmental disorder with brain anomalies and with or without vertebral or cardiac anomalies. Identifiers: MedGen C5231481, MONDO:0032888, OMIM 618731.
Neurodevelopmental disorders.
Neurodevelopmental delay. Identifiers: MedGen C4022738, HP:0012758.
Intellectual disability. Also called: intellectual disabilities; Intellectual developmental disorder; Intellectual functioning disability. Identifiers: MedGen C3714756, MeSH D008607, MONDO:0001071, HP:0001249.

Submissions (4):

Diagnostics Services (NGS), CSIR - Centre For Cellular And Molecular Biology
Classification: Uncertain significance for 46,XY sex reversal 11. Last evaluated: 2023-10-06. Review status: criteria provided, single submitter. Criteria: ACMG Guidelines, 2015. Collection method: clinical testing. Allele origin: unknown. Affected: yes. Observed: 1 variant allele, 1 heterozygote.
Comment: The c.499_500delinsTC variant is not present in publicly available population databases like 1000 Genomes, ExAC, EVS, gnomAD, Indian Exome Database or our in-house exome database. This variant has neither been published in literature for DHX37-related conditions nor reported to the clinical databases like Human Genome Mutation Database (HGMD), ClinVar or OMIM in any affected individuals. In-silico pathogenicity prediction programs like MutationTaster2, CADD etc predicted this variant to be likely deleterious, however these predictions were not confirmed by published functional studies. This variant causes substitution of Glutamic acid at the 167th amino acid position with Serine.

OMIM
Classification: Pathogenic for NEURODEVELOPMENTAL DISORDER WITH BRAIN AND CARDIAC ANOMALIES. Last evaluated: 2020-02-05. Review status: no assertion criteria provided. Collection method: literature only. Allele origin: germline. Not counted in ClinVar's aggregate classification.

Lupski Lab, Baylor-Hopkins CMG, Baylor College of Medicine
Classification: Likely pathogenic for Neurodevelopmental delay; Intellectual disability. Last evaluated: 2019-05-30. Review status: no assertion criteria provided. Collection method: research. Allele origin: inherited. Affected: yes. Not counted in ClinVar's aggregate classification.

University of Washington Center for Mendelian Genomics, University of Washington
Classification: Likely pathogenic for Neurodevelopmental disorders. Review status: no assertion criteria provided. Collection method: research. Allele origin: inherited. Affected: yes. Not counted in ClinVar's aggregate classification.

Literature cited by the submitters: Paine, I. Personal Communication. 2020. Houston, Tx. (cited by OMIM); PubMed 31256877 (cited by OMIM and University of Washington Center for Mendelian Genomics, University of Washington).

NM_032656.4(DHX37):c.499_500inv (p.Glu167Ser)

Gene: DHX37 (DEAH-box helicase 37; minus strand). Cytogenetic location: 12q24.31.
Variant type: Inversion.
Coding change: c.499_500inv on transcript NM_032656.4 (MANE Select).
Protein change: p.Glu167Ser; replaces glutamic acid 167 with serine.
Molecular consequence: missense variant.
Genome position: GRCh38 VCF-style: chr12-124980728-TC-GA. GRCh37 (hg19) VCF-style: chr12-125465274-TC-GA.
Other names: E167S; c.499_500delinsTC (NM_032656.4); c.499_500delGAinsTC (NM_032656.4).
Identifiers: ClinVar variation 691928 (VCV000691928.5), ClinGen allele CA916084322.